The following is an entry in ClinVar:

ClinVar aggregate classification (germline): Uncertain significance. Review status: criteria provided, multiple submitters, no conflicts (2 of 4 stars). 2 submissions from 2 submitters: Uncertain significance (2). Last evaluated 2025-11-04.

Conditions:
Fanconi anemia, complementation group W. Identifiers: MedGen C4521564, MONDO:0044325, OMIM 617784.

Allele frequency attached by ClinVar (database versions not stated): ExAC 0.00002; gnomAD exomes 0.00011; TOPMed 0.00001; gnomAD 0.00003.
gnomAD v4.1: 155 of 1,613,824 alleles (0.0096%); highest among the groups gnomAD compares: East Asian, 0.34%; no homozygotes.

Submissions (2):

Labcorp Genetics (formerly Invitae), Labcorp
Classification: Uncertain significance. Last evaluated: 2025-11-04. Review status: criteria provided, single submitter. Criteria: Invitae Variant Classification Sherloc (09022015). Collection method: clinical testing. Allele origin: germline.
Comment: This sequence change replaces alanine, which is neutral and non-polar, with glycine, which is neutral and non-polar, at codon 732 of the RFWD3 protein (p.Ala732Gly). This variant is present in population databases (rs765394837, gnomAD 0.02%). This variant has not been reported in the literature in individuals affected with RFWD3-related conditions. ClinVar contains an entry for this variant (Variation ID: 2867878). An algorithm developed to predict the effect of missense changes on protein structure and function outputs the following: PolyPhen-2: "Benign". The glycine amino acid residue is found in multiple mammalian species, which suggests that this missense change does not adversely affect protein function. In summary, the available evidence is currently insufficient to determine the role of this variant in disease. Therefore, it has been classified as a Variant of Uncertain Significance.

Fulgent Genetics
Classification: Uncertain significance for Fanconi anemia, complementation group W. Last evaluated: 2024-05-17. Review status: criteria provided, single submitter. Criteria: ACMG Guidelines, 2015. Collection method: clinical testing. Allele origin: germline.

NM_018124.4(RFWD3):c.2195C>G (p.Ala732Gly)

Gene: RFWD3 (ring finger and WD repeat domain 3; minus strand). Cytogenetic location: 16q23.1.
Variant type: single nucleotide variant.
Coding change: c.2195C>G on transcript NM_018124.4 (MANE Select); coding-DNA position 2195, C replaced by G.
Protein change: p.Ala732Gly; replaces alanine 732 with glycine.
Molecular consequence: missense variant.
Genome position (GRCh38, 1-based): chr16:74,624,058, G>C on the plus strand (C>G on the coding strand, the complement: RFWD3 is on the minus strand). VCF-style: chr16-74624058-G-C. GRCh37 (hg19) VCF-style: chr16-74657956-G-C.
Other names: c.2195C>G, p.Ala732Gly (NM_001370534.1, NM_001370535.1); c.2018C>G, p.Ala673Gly (NM_001370536.1); c.1361C>G, p.Ala454Gly (NM_001370537.1, NM_001370539.1, NM_001370540.1 and 3 more transcripts); short protein forms A454G, A673G, A732G.
Identifiers: ClinVar variation 2867878 (VCV002867878.4), dbSNP rs765394837, ClinGen allele CA8168947.